The following is an entry in ClinVar:

ClinVar aggregate classification (germline): Uncertain significance (1 of 4 stars; one submission).

Conditions:
Developmental and epileptic encephalopathy, 53. Also called: Epileptic encephalopathy, early infantile, 53. Identifiers: MedGen C4479313, MONDO:0033362, OMIM 617389.
Early-onset Parkinson disease 20. Also called: PARKINSON DISEASE 20, AUTOSOMAL RECESSIVE EARLY-ONSET. Identifiers: Orphanet 391411, MedGen C3809824, MONDO:0014233, OMIM 615530.

Submission:

Labcorp Genetics (formerly Invitae), Labcorp
Classification: Uncertain significance for Developmental and epileptic encephalopathy, 53; Early-onset Parkinson disease 20. Last evaluated: 2022-05-09. Review status: criteria provided, single submitter. Criteria: Invitae Variant Classification Sherloc (09022015). Collection method: clinical testing. Allele origin: germline.
Comment: This variant is not present in population databases (gnomAD no frequency). In summary, the available evidence is currently insufficient to determine the role of this variant in disease. Therefore, it has been classified as a Variant of Uncertain Significance. Algorithms developed to predict the effect of missense changes on protein structure and function are either unavailable or do not agree on the potential impact of this missense change (SIFT: "Deleterious"; PolyPhen-2: "Benign"; Align-GVGD: "Class C0"). This variant has not been reported in the literature in individuals affected with SYNJ1-related conditions. This sequence change replaces tryptophan, which is neutral and slightly polar, with cysteine, which is neutral and slightly polar, at codon 8 of the SYNJ1 protein (p.Trp8Cys).

NC_000021.9:g.32728017C>G

Gene: SYNJ1 (synaptojanin 1; minus strand). Cytogenetic location: 21q22.11.
Variant type: single nucleotide variant.
Molecular consequence: missense variant (on NM_003895.4).
Genome position: GRCh38 VCF-style: chr21-32728017-C-G. GRCh37 (hg19) VCF-style: chr21-34100328-C-G.
Other names: c.24G>C, p.Trp8Cys (NM_003895.4); short protein forms W8C.
Identifiers: ClinVar variation 1992521 (VCV001992521.4), dbSNP rs1569147057, ClinGen allele CA410078882.
Genomic context (GRCh38, chr21:32,728,017, plus strand): 5'-GCTCCTCCTCCTCCTTCTCCCGCAGCCGCCGCCACAGCCGCCGGGAGCGTCACTTCCGCT[C>G]CAGCAGGCCCATCTCTTCCGCATTGCGCCGCGGCCGGGGGCGGAAGATCCGCCCCGCGCG-3'